The following is an entry in ClinVar:

NC_000001.10:g.(?_46656382)_(46662766_?)del

Gene: POMGNT1 (protein O-linked mannose N-acetylglucosaminyltransferase 1 (beta 1,2-); minus strand). Cytogenetic location: 1p34.1.
Variant type: Deletion.
Identifiers: ClinVar variation 2426343 (VCV002426343.6).

ClinVar aggregate classification (germline): Pathogenic (1 of 4 stars; one submission).

Conditions:
Muscular dystrophy-dystroglycanopathy (congenital with impaired intellectual development), type B, 3. Also called: Muscular dystrophy-dystroglycanopathy (congenital with intellectual disability), type B3; MUSCULAR DYSTROPHY, CONGENITAL, POMGNT1-RELATED. Identifiers: MedGen C3150412, MONDO:0013155, OMIM 613151.
Autosomal recessive limb-girdle muscular dystrophy type 2O. Also called: Limb-Girdle Muscular Dystrophy Type 3C; MUSCULAR DYSTROPHY-DYSTROGLYCANOPATHY (LIMB-GIRDLE), TYPE C, 3; MUSCULAR DYSTROPHY-DYSTROGLYCANOPATHY, LIMB-GIRDLE, POMGNT1-RELATED. Identifiers: Orphanet 206564, MedGen C3150417, MONDO:0013161, OMIM 613157.

Submission:

Labcorp Genetics (formerly Invitae), Labcorp
Classification: Pathogenic for Autosomal recessive limb-girdle muscular dystrophy type 2O; Muscular dystrophy-dystroglycanopathy (congenital with impaired intellectual development), type B, 3. Last evaluated: 2022-02-14. Review status: criteria provided, single submitter. Criteria: Invitae Variant Classification Sherloc (09022015). Collection method: clinical testing. Allele origin: germline.
Comment: For these reasons, this variant has been classified as Pathogenic. This variant disrupts a region of the POMGNT1 protein in which other variant(s) (p.Arg129Trp) have been determined to be pathogenic (PMID: 28688748, 30961548, 34324503; Invitae). This suggests that this is a clinically significant region of the protein, and that variants that disrupt it are likely to be disease-causing. This variant has not been reported in the literature in individuals affected with POMGNT1-related conditions. This sequence change is a complex rearrangement that results in the deletion of exon 5-9 of the POMGNT1 gene. There is also some indication that a portion of exons 9 and 18-19 is inserted into exon 3, but the exact nature of this event is unknown.

Literature cited by the submitters: PubMed 28688748; PubMed 30961548; PubMed 34324503.